The following is an entry in ClinVar:

ClinVar aggregate classification (germline): Uncertain significance. Review status: criteria provided, multiple submitters, no conflicts (2 of 4 stars). 3 submissions from 3 submitters: Uncertain significance (2). 1 of the submissions does not count toward it. Last evaluated 2022-03-14.

Conditions:
Cardiovascular phenotype. Identifiers: MedGen CN230736.
Dystrophin deficiency.
Cardiomyopathy (CMYO). Also called: Cardiomyopathies. Identifiers: Orphanet 167848, MedGen C0878544, MONDO:0004994, HP:0001638. Inheritance: Various modes of inheritance.
Becker muscular dystrophy (BMD). Also called: Becker Muscular Dystrophy (BMD); MUSCULAR DYSTROPHY, PSEUDOHYPERTROPHIC PROGRESSIVE, BECKER TYPE. Identifiers: Orphanet 98895, MedGen C0917713, MONDO:0010311, OMIM 300376.
Duchenne muscular dystrophy (DMD). Also called: Duchenne Muscular Dystrophy (DMD); MUSCULAR DYSTROPHY, PSEUDOHYPERTROPHIC PROGRESSIVE, DUCHENNE TYPE. Identifiers: Orphanet 98896, MedGen C0013264, MONDO:0010679, OMIM 310200.

Allele frequency attached by ClinVar (database versions not stated): TOPMed below 0.00001; gnomAD 0.00001; gnomAD exomes 0.00001.
gnomAD v4.1: 2 of 1,210,267 alleles (0.00017%); highest among the groups gnomAD compares: African/African-American, 0.0035%; no homozygotes.

Submissions (3):

Labcorp Genetics (formerly Invitae), Labcorp
Classification: Uncertain significance for Duchenne muscular dystrophy. Last evaluated: 2022-03-14. Review status: criteria provided, single submitter. Criteria: Invitae Variant Classification Sherloc (09022015). Collection method: clinical testing. Allele origin: germline.
Comment: This sequence change replaces serine, which is neutral and polar, with proline, which is neutral and non-polar, at codon 2384 of the DMD protein (p.Ser2384Pro). This variant is present in population databases (no rsID available, gnomAD 0.008%). This variant has not been reported in the literature in individuals affected with DMD-related conditions. ClinVar contains an entry for this variant (Variation ID: 519085). Algorithms developed to predict the effect of missense changes on protein structure and function are either unavailable or do not agree on the potential impact of this missense change (SIFT: "Deleterious"; PolyPhen-2: "Benign"; Align-GVGD: "Class C0"). In summary, the available evidence is currently insufficient to determine the role of this variant in disease. Therefore, it has been classified as a Variant of Uncertain Significance.

Ambry Genetics
Classification: Uncertain significance for Cardiovascular phenotype. Last evaluated: 2021-03-26. Review status: criteria provided, single submitter. Criteria: Ambry Variant Classification Scheme 2023. Collection method: clinical testing. Allele origin: germline.
Comment: The p.S2384P variant (also known as c.7150T>C), located in coding exon 49 of the DMD gene, results from a T to C substitution at nucleotide position 7150. The serine at codon 2384 is replaced by proline, an amino acid with similar properties. Based on data from gnomAD, the C allele has an overall frequency of 0.0005% (1/183393) total alleles studied, with 0 hemizygote(s) observed. The highest observed frequency was 0.008% (1/13161) of African/ African American alleles. This amino acid position is highly conserved in available vertebrate species. In addition, the in silico prediction for this alteration is inconclusive. Since supporting evidence is limited at this time, the clinical significance of this alteration remains unclear.

Natera, Inc.
Classification: Uncertain significance for Becker muscular dystrophy; Cardiomyopathy; Duchenne muscular dystrophy; Dystrophin deficiency. Last evaluated: 2019-12-16. Review status: no assertion criteria provided. Collection method: clinical testing. Allele origin: germline. Not counted in ClinVar's aggregate classification.

NM_004006.3(DMD):c.7150T>C (p.Ser2384Pro)

Gene: DMD (dystrophin; minus strand). Cytogenetic location: Xp21.1.
Variant type: single nucleotide variant.
Coding change: c.7150T>C on transcript NM_004006.3 (MANE Select); coding-DNA position 7150, T replaced by C.
Protein change: p.Ser2384Pro; replaces serine 2384 with proline.
Molecular consequence: missense variant. On other transcripts: 5 prime UTR variant (5).
Genome position (GRCh38, 1-based): chrX:31,836,768, A>G on the plus strand (T>C on the coding strand, the complement: DMD is on the minus strand). VCF-style: chrX-31836768-A-G. GRCh37 (hg19) VCF-style: chrX-31854885-A-G.
Other names: c.7126T>C, p.Ser2376Pro (NM_000109.4); c.7138T>C, p.Ser2380Pro (NM_004009.3); c.6781T>C, p.Ser2261Pro (NM_004010.3); c.3127T>C, p.Ser1043Pro (NM_004011.4); c.3118T>C, p.Ser1040Pro (NM_004012.4); c.-231T>C (NM_004013.3, NM_004020.4, NM_004021.3 and 2 more transcripts); short protein forms S2384P, S2261P, S2376P, S2380P, S1040P, S1043P.
Identifiers: ClinVar variation 519085 (VCV000519085.10), dbSNP rs1351313240, ClinGen allele CA412659325.